The following is an entry in ClinVar:

NM_000814.6(GABRB3):c.1054del (p.Asp352fs)

Gene: GABRB3 (gamma-aminobutyric acid type A receptor subunit beta3; minus strand). Cytogenetic location: 15q12.
Variant type: Deletion.
Coding change: c.1054del on transcript NM_000814.6 (MANE Select); coding-DNA position 1054, one base deleted (G; older notation c.1054delG).
Protein change: p.Asp352fs; shifts the reading frame from aspartic acid 352.
Molecular consequence: frameshift variant.
Genome position (GRCh38, 1-based): chr15:26,560,958, C deleted on the plus strand (G on the coding strand, the reverse complement: GABRB3 is on the minus strand). VCF-style (leftmost placement, unchanged base first): chr15-26560957-TC-T. GRCh37 (hg19) VCF-style: chr15-26806104-TC-T.
Other names: c.799del, p.Asp267fs (NM_001191320.2, NM_001278631.2); c.841del, p.Asp281fs (NM_001191321.3); c.1054del, p.Asp352fs (NM_021912.5); short protein forms D281fs, D267fs, D352fs.
Identifiers: ClinVar variation 943697 (VCV000943697.9), dbSNP rs1889959221, ClinGen allele CA1139663787.
Genomic context (GRCh38, chr15:26,560,957, plus strand): 5'-GGGACCAGGTGGGGTCAAGGTGGTGGAGAGCCTACCCGGTTGCTTTCGCTCTTTGAACGG[TC>T]ATTCTTTGCCTTGGCTGTCTTTTCTGCAAGCTTCTTCTGCCTTTGAGGGCCTCTTCCAAA-3'

ClinVar aggregate classification (germline): Pathogenic (1 of 4 stars; one submission).

Conditions:
Epilepsy, childhood absence, susceptibility to, 1. Also called: Epilepsy, childhood absence 1. Identifiers: Orphanet 64280, MedGen C1838604, MONDO:0020759, OMIM 600131.
Epilepsy, childhood absence, susceptibility to, 5. Identifiers: Orphanet 64280, MedGen C2677087, MONDO:0012843, OMIM 612269.

Submission:

Labcorp Genetics (formerly Invitae), Labcorp
Classification: Pathogenic for Epilepsy, childhood absence, susceptibility to, 5; Epilepsy, childhood absence, susceptibility to, 1. Last evaluated: 2022-02-04. Review status: criteria provided, single submitter. Criteria: Invitae Variant Classification Sherloc (09022015). Collection method: clinical testing. Allele origin: germline.
Comment: ClinVar contains an entry for this variant (Variation ID: 943697). For these reasons, this variant has been classified as Pathogenic. This premature translational stop signal has been observed in individual(s) with early onset epilepsy (Invitae). In at least one individual the variant was observed to be de novo. This variant is not present in population databases (gnomAD no frequency). This sequence change creates a premature translational stop signal (p.Asp352Thrfs*18) in the GABRB3 gene. While this is not anticipated to result in nonsense mediated decay, it is expected to disrupt the last 122 amino acid(s) of the GABRB3 protein.